The following is an entry in ClinVar:

ClinVar aggregate classification (germline): Likely benign (1 of 4 stars; one submission).

Submission:

Laboratory for Molecular Medicine, Mass General Brigham Personalized Medicine
Classification: Likely benign. Last evaluated: 2013-01-23. Review status: criteria provided, single submitter. Criteria: LMM Criteria. Collection method: clinical testing. Allele origin: germline. Observed: 1 variant allele.
Comment: 11775+13delA in intron 87 of RYR2: This variant is not expected to have clinical significance because it is not located within the splice consensus sequence. 11775+13delA in intron 87 of RYR2 (allele frequency = n/a)

NM_001035.3(RYR2):c.11775+13del

Gene: RYR2 (ryanodine receptor 2; plus strand). Cytogenetic location: 1q43.
Variant type: Deletion.
Coding change: c.11775+13del on transcript NM_001035.3 (MANE Select); 13 bases into the intron after coding-DNA position 11775, one base deleted (A; older notation c.11775+13delA).
Molecular consequence: intron variant.
Genome position (GRCh38, 1-based): chr1:237,773,661, A deleted; the last of 3 consecutive A bases (chr1:237,773,659-237,773,661); deleting any one gives the same sequence. VCF-style (leftmost placement, unchanged base first): chr1-237773658-TA-T. GRCh37 (hg19) VCF-style: chr1-237936958-TA-T.
Other names: c.11775+13del (LRG_402t1).
Identifiers: ClinVar variation 43714 (VCV000043714.5), dbSNP rs397516507, ClinGen allele CA007146.